The following is an entry in ClinVar:

NM_000492.4(CFTR):c.2010A>T (p.Ser670=)

Gene: CFTR (CF transmembrane conductance regulator; plus strand). Cytogenetic location: 7q31.2.
Variant type: single nucleotide variant.
Coding change: c.2010A>T on transcript NM_000492.4 (MANE Select); coding-DNA position 2010, A replaced by T.
Protein change: p.Ser670=; no amino-acid change (serine 670 retained).
Molecular consequence: synonymous variant.
Genome position (GRCh38, 1-based): chr7:117,592,177, A>T. VCF-style: chr7-117592177-A-T. GRCh37 (hg19) VCF-style: chr7-117232231-A-T.
Identifiers: ClinVar variation 5034412 (VCV005034412.1).

ClinVar aggregate classification (germline): Uncertain significance (1 of 4 stars; one submission).

Conditions:
Cystic fibrosis (CF). Also called: MUCOVISCIDOSIS. Identifiers: Orphanet 586, MedGen C0010674, MONDO:0009061, OMIM 219700. Disease mechanism: loss of function.

Submission:

Ambry Genetics
Classification: Uncertain significance for Cystic fibrosis. Last evaluated: 2026-08-13. Review status: criteria provided, single submitter. Criteria: Ambry Variant Classification Scheme 2023. Collection method: clinical testing. Allele origin: germline.
Comment: The c.2010A>T variant (also known as p.S670S), located in coding exon 14 of the CFTR gene, results from an A to T substitution at nucleotide position 2010. This nucleotide substitution does not change the amino acid at codon 670. This nucleotide position is not well conserved in available vertebrate species. In silico splice site analysis predicts that this alteration may result in the creation or strengthening of a novel splice acceptor site. Based on the available evidence, the clinical significance of this variant remains unclear.